The following is an entry in ClinVar:

NM_015346.4(ZFYVE26):c.5710A>T (p.Lys1904Ter)

Gene: ZFYVE26 (zinc finger FYVE-type containing 26; minus strand). Cytogenetic location: 14q24.1.
Variant type: single nucleotide variant.
Coding change: c.5710A>T on transcript NM_015346.4 (MANE Select); coding-DNA position 5710, A replaced by T.
Protein change: p.Lys1904Ter; replaces lysine 1904 with a stop codon.
Molecular consequence: nonsense.
Genome position (GRCh38, 1-based): chr14:67,767,784, T>A on the plus strand (A>T on the coding strand, the complement: ZFYVE26 is on the minus strand). VCF-style: chr14-67767784-T-A. GRCh37 (hg19) VCF-style: chr14-68234501-T-A.
Other names: short protein forms K1904*.
Identifiers: ClinVar variation 1428901 (VCV001428901.6), dbSNP rs2140201330, ClinGen allele CA390166488.

ClinVar aggregate classification (germline): Pathogenic (1 of 4 stars; one submission).

Conditions:
Spastic paraplegia. Identifiers: MedGen C0037772, HP:0001258.

Submission:

Labcorp Genetics (formerly Invitae), Labcorp
Classification: Pathogenic for Spastic paraplegia. Last evaluated: 2021-10-08. Review status: criteria provided, single submitter. Criteria: Invitae Variant Classification Sherloc (09022015). Collection method: clinical testing. Allele origin: germline.
Comment: For these reasons, this variant has been classified as Pathogenic. This sequence change creates a premature translational stop signal (p.Lys1904*) in the ZFYVE26 gene. It is expected to result in an absent or disrupted protein product. Loss-of-function variants in ZFYVE26 are known to be pathogenic (PMID: 18394578, 19805727). This variant is not present in population databases (ExAC no frequency). This variant has not been reported in the literature in individuals affected with ZFYVE26-related conditions.

Literature cited by the submitters: PubMed 18394578; PubMed 19805727.